The following is an entry in ClinVar:

ClinVar aggregate classification (germline): Likely benign. Review status: criteria provided, multiple submitters, no conflicts (2 of 4 stars). 3 submissions from 3 submitters: Likely benign (3). Last evaluated 2026-07-23.

Conditions:
Delpire-McNeill syndrome. Also called: SLC12A2-related autosomal dominant infantile-developmental delay-intellectual disability-sensorineural deafness syndrome. Identifiers: Orphanet 633024, MedGen C5436771, MONDO:0033667, OMIM 619083.
Hearing loss, autosomal dominant 78. Also called: DEAFNESS, AUTOSOMAL DOMINANT 78. Identifiers: MedGen C5436768, MONDO:0033665, OMIM 619081.
Kilquist syndrome (KILQS). Also called: SLC12A2-related autosomal recessive neonatal-developmental delay-intellectual disability-feeding difficulty-sensorineural deafness syndrome. Identifiers: Orphanet 633021, MedGen C5436756, MONDO:0033664, OMIM 619080.
SLC12A2-related disorder. Also called: SLC12A2-related disorders; SLC12A2-related condition.

Allele frequency attached by ClinVar (database versions not stated): gnomAD exomes 0.00010 and 0.00029; ExAC 0.00027; gnomAD 0.00030 and 0.00031; TOPMed 0.00063; 1000 Genomes Project 30x 0.00141; 1000 Genomes Project 0.00160.
gnomAD v4.1: 208 of 1,608,940 alleles (0.013%); highest among the groups gnomAD compares: Admixed American, 0.2%; 1 homozygote.

Submissions (3):

PreventionGenetics, part of Exact Sciences
Classification: Likely benign for SLC12A2-related condition. Last evaluated: 2026-07-23. Review status: criteria provided, single submitter. Criteria: ACMG Guidelines, 2015. Collection method: clinical testing. Allele origin: germline.
Comment: This variant is classified as likely benign based on ACMG/AMP sequence variant interpretation guidelines (Richards et al. 2015 PMID: 25741868, with internal and published modifications).

Labcorp Genetics (formerly Invitae), Labcorp
Classification: Likely benign. Last evaluated: 2025-12-19. Review status: criteria provided, single submitter. Criteria: Invitae Variant Classification Sherloc (09022015). Collection method: clinical testing. Allele origin: germline.

Fulgent Genetics
Classification: Likely benign for Kilquist syndrome; Hearing loss, autosomal dominant 78; Delpire-McNeill syndrome. Last evaluated: 2021-11-19. Review status: criteria provided, single submitter. Criteria: ACMG Guidelines, 2015. Collection method: clinical testing. Allele origin: unknown.

NM_001046.3(SLC12A2):c.1941A>G (p.Lys647=)

Gene: SLC12A2 (solute carrier family 12 member 2; plus strand). Cytogenetic location: 5q23.3.
Variant type: single nucleotide variant.
Coding change: c.1941A>G on transcript NM_001046.3 (MANE Select); coding-DNA position 1941, A replaced by G.
Protein change: p.Lys647=; no amino-acid change (lysine 647 retained).
Molecular consequence: synonymous variant. On other transcripts: non-coding transcript variant (1).
Genome position (GRCh38, 1-based): chr5:128,148,813, A>G. VCF-style: chr5-128148813-A-G. GRCh37 (hg19) VCF-style: chr5-127484505-A-G.
Other names: c.1941A>G, p.Lys647= (NM_001256461.2); c.1941A>G (NM_001046.2).
Identifiers: ClinVar variation 1424361 (VCV001424361.10), dbSNP rs190573592, ClinGen allele CA3393242.